The following is an entry in ClinVar:

ClinVar aggregate classification (germline): Uncertain significance (1 of 4 stars; one submission).

Conditions:
UDPglucose-4-epimerase deficiency. Also called: Epimerase Deficiency Galactosemia; UDP-GALACTOSE-4-EPIMERASE DEFICIENCY; Galactose epimerase deficiency; GALACTOSEMIA III; GALE DEFICIENCY; UDPglucose 4-Epimerase Deficiency Disease. Identifiers: Orphanet 352, Orphanet 79238, MedGen C0751161, MONDO:0009257, OMIM 230350.

Allele frequency attached by ClinVar (database versions not stated): TOPMed below 0.00001; gnomAD exomes 0.00001 and 0.00002; ExAC 0.00005.
gnomAD v4.1: 13 of 1,610,948 alleles (0.00081%); highest among the groups gnomAD compares: South Asian, 0.0055%; no homozygotes.

Submission:

Labcorp Genetics (formerly Invitae), Labcorp
Classification: Uncertain significance for UDPglucose-4-epimerase deficiency. Last evaluated: 2025-06-09. Review status: criteria provided, single submitter. Criteria: Invitae Variant Classification Sherloc (09022015). Collection method: clinical testing. Allele origin: germline.
Comment: This sequence change replaces arginine, which is basic and polar, with cysteine, which is neutral and slightly polar, at codon 184 of the GALE protein (p.Arg184Cys). The frequency data for this variant in the population databases is considered unreliable, as metrics indicate poor data quality at this position in the gnomAD database. This variant has not been reported in the literature in individuals affected with GALE-related conditions. ClinVar contains an entry for this variant (Variation ID: 1404887). Invitae Evidence Modeling of protein sequence and biophysical properties (such as structural, functional, and spatial information, amino acid conservation, physicochemical variation, residue mobility, and thermodynamic stability) indicates that this missense variant is expected to disrupt GALE protein function with a positive predictive value of 80%. Algorithms developed to predict the effect of sequence changes on RNA splicing suggest that this variant may disrupt the consensus splice site. In summary, the available evidence is currently insufficient to determine the role of this variant in disease. Therefore, it has been classified as a Variant of Uncertain Significance.

NM_001008216.2(GALE):c.550C>T (p.Arg184Cys)

Gene: GALE (UDP-galactose-4-epimerase; minus strand). Cytogenetic location: 1p36.11.
Variant type: single nucleotide variant.
Coding change: c.550C>T on transcript NM_001008216.2 (MANE Select); coding-DNA position 550, C replaced by T.
Protein change: p.Arg184Cys; replaces arginine 184 with cysteine.
Molecular consequence: missense variant.
Genome position (GRCh38, 1-based): chr1:23,797,126, G>A on the plus strand (C>T on the coding strand, the complement: GALE is on the minus strand). VCF-style: chr1-23797126-G-A. GRCh37 (hg19) VCF-style: chr1-24123616-G-A.
Other names: c.550C>T, p.Arg184Cys (NM_000403.4, NM_001127621.2); short protein forms R184C.
Identifiers: ClinVar variation 1404887 (VCV001404887.4), dbSNP rs767796512, ClinGen allele CA685623.
Genomic context (GRCh38, chr1:23,797,126, plus strand): 5'-TGCCCTGGGGATCCTCACCAATGCAGCCAGAGGCATGGGCACCTGTGGGGTTGAAATAGC[G>A]CAGCAGCACTGCGTTCCAAGTCTGTGGGATGTGGGTCAGGTGGTGAGGCCAGAGGCACAG-3'
Protein context (NP_001008217.1, residues 174-194): ADKTWNAVLL[Arg184Cys]YFNPTGAHAS